The following is an entry in ClinVar:

NM_030973.4(MED25):c.406G>A (p.Gly136Ser)

Gene: MED25 (mediator complex subunit 25; plus strand). Cytogenetic location: 19q13.33.
Variant type: single nucleotide variant.
Coding change: c.406G>A on transcript NM_030973.4 (MANE Select); coding-DNA position 406, G replaced by A.
Protein change: p.Gly136Ser; replaces glycine 136 with serine.
Molecular consequence: missense variant.
Genome position (GRCh38, 1-based): chr19:49,828,971, G>A. VCF-style: chr19-49828971-G-A. GRCh37 (hg19) VCF-style: chr19-50332228-G-A.
Other names: c.406G>A, p.Gly136Ser (NM_001378355.1); short protein forms G136S.
Identifiers: ClinVar variation 1983260 (VCV001983260.3), dbSNP rs539022862, ClinGen allele CA9584855.

ClinVar aggregate classification (germline): Uncertain significance (1 of 4 stars; one submission).

Conditions:
Charcot-Marie-Tooth disease type 2. Also called: Charcot-Marie-Tooth type 2. Identifiers: Orphanet 64746, MedGen C0270914, MONDO:0018993.

Allele frequency attached by ClinVar (database versions not stated): gnomAD exomes 0.00001; 1000 Genomes Project 30x 0.00016; ExAC 0.00003; 1000 Genomes Project 0.00020; gnomAD 0.00001.
gnomAD v4.1: 17 of 1,614,010 alleles (0.0011%); highest among the groups gnomAD compares: South Asian, 0.016%; no homozygotes.

Submission:

Labcorp Genetics (formerly Invitae), Labcorp
Classification: Uncertain significance for Charcot-Marie-Tooth disease type 2. Last evaluated: 2024-12-18. Review status: criteria provided, single submitter. Criteria: Invitae Variant Classification Sherloc (09022015). Collection method: clinical testing. Allele origin: germline.
Comment: This sequence change replaces glycine, which is neutral and non-polar, with serine, which is neutral and polar, at codon 136 of the MED25 protein (p.Gly136Ser). This variant is present in population databases (rs539022862, gnomAD 0.02%). This variant has not been reported in the literature in individuals affected with MED25-related conditions. ClinVar contains an entry for this variant (Variation ID: 1983260). An algorithm developed to predict the effect of missense changes on protein structure and function (PolyPhen-2) suggests that this variant is likely to be disruptive. Algorithms developed to predict the effect of sequence changes on RNA splicing suggest that this variant may create or strengthen a splice site. In summary, the available evidence is currently insufficient to determine the role of this variant in disease. Therefore, it has been classified as a Variant of Uncertain Significance.